The following is an entry in ClinVar:

NM_003803.4(MYOM1):c.1046A>T (p.Gln349Leu)

Gene: MYOM1 (myomesin 1; minus strand). Cytogenetic location: 18p11.31.
Variant type: single nucleotide variant.
Coding change: c.1046A>T on transcript NM_003803.4 (MANE Select); coding-DNA position 1046, A replaced by T.
Protein change: p.Gln349Leu; replaces glutamine 349 with leucine.
Molecular consequence: missense variant.
Genome position (GRCh38, 1-based): chr18:3,174,185, T>A on the plus strand (A>T on the coding strand, the complement: MYOM1 is on the minus strand). VCF-style: chr18-3174185-T-A. GRCh37 (hg19) VCF-style: chr18-3174183-T-A.
Other names: c.1046A>T, p.Gln349Leu (NM_019856.2); short protein forms Q349L.
Identifiers: ClinVar variation 3631356 (VCV003631356.3).

ClinVar aggregate classification (germline): Uncertain significance. Review status: criteria provided, multiple submitters, no conflicts (2 of 4 stars). 2 submissions from 2 submitters: Uncertain significance (2). Last evaluated 2025-07-30.

Conditions:
Hypertrophic cardiomyopathy. Also called: HYPERTROPHIC MYOCARDIOPATHY. Identifiers: Orphanet 217569, MedGen C0007194, MeSH D002312, MONDO:0005045, HP:0001639.

Submissions (2):

Labcorp Genetics (formerly Invitae), Labcorp
Classification: Uncertain significance for Hypertrophic cardiomyopathy. Last evaluated: 2025-07-30. Review status: criteria provided, single submitter. Criteria: Invitae Variant Classification Sherloc (09022015). Collection method: clinical testing. Allele origin: germline.
Comment: This sequence change replaces glutamine, which is neutral and polar, with leucine, which is neutral and non-polar, at codon 349 of the MYOM1 protein (p.Gln349Leu). This variant is not present in population databases (gnomAD no frequency). This variant has not been reported in the literature in individuals affected with MYOM1-related conditions. ClinVar contains an entry for this variant (Variation ID: 3631356). Invitae Evidence Modeling of protein sequence and biophysical properties (such as structural, functional, and spatial information, amino acid conservation, physicochemical variation, residue mobility, and thermodynamic stability) has been performed for this missense variant. However, the output from this modeling did not meet the statistical confidence thresholds required to predict the impact of this variant on MYOM1 protein function. In summary, the available evidence is currently insufficient to determine the role of this variant in disease. Therefore, it has been classified as a Variant of Uncertain Significance.

Ambry Genetics
Classification: Uncertain significance. Last evaluated: 2025-01-21. Review status: criteria provided, single submitter. Criteria: Ambry Variant Classification Scheme 2023. Collection method: clinical testing. Allele origin: germline.
Comment: The p.Q349L variant (also known as c.1046A>T), located in coding exon 6 of the MYOM1 gene, results from an A to T substitution at nucleotide position 1046. The glutamine at codon 349 is replaced by leucine, an amino acid with dissimilar properties. This amino acid position is conserved. In addition, the in silico prediction for this alteration is inconclusive. Based on the available evidence, the clinical significance of this variant remains unclear.